The following is an entry in ClinVar:

NM_203447.4(DOCK8):c.5255A>G (p.Tyr1752Cys)

Gene: DOCK8 (dedicator of cytokinesis 8; plus strand). Cytogenetic location: 9p24.3.
Variant type: single nucleotide variant.
Coding change: c.5255A>G on transcript NM_203447.4 (MANE Select); coding-DNA position 5255, A replaced by G.
Protein change: p.Tyr1752Cys; replaces tyrosine 1752 with cysteine.
Molecular consequence: missense variant.
Genome position (GRCh38, 1-based): chr9:441,317, A>G. VCF-style: chr9-441317-A-G. GRCh37 (hg19) VCF-style: chr9-441317-A-G.
Other names: c.4955A>G, p.Tyr1652Cys (NM_001190458.2); c.5051A>G, p.Tyr1684Cys (NM_001193536.2); short protein forms Y1684C, Y1652C, Y1752C.
Identifiers: ClinVar variation 2993225 (VCV002993225.3), dbSNP rs1214707825, ClinGen allele CA372768003.
Genomic context (GRCh38, chr9:441,317, plus strand): 5'-CTCTCTGATGCTCTTCTCCTCTTTCCAAGGGAGGCTTATATGAGACAGTTAATGAGGTCT[A>G]CAAGCTGGTCATCCCCATCCTAGAAGCGCATCGAGAATTCCGGAAGCTGACACTCACTCA-3'
Protein context (NP_982272.2, residues 1742-1762): GGLYETVNEV[Tyr1752Cys]KLVIPILEAH

ClinVar aggregate classification (germline): Uncertain significance (1 of 4 stars; one submission).

Conditions:
Combined immunodeficiency due to DOCK8 deficiency (HIES2). Also called: HIES autosomal recessive; Hyper-IgE recurrent infection syndrome, autosomal recessive; HYPER-IgE SYNDROME 2, AUTOSOMAL RECESSIVE, WITH RECURRENT INFECTIONS; DOCK8 Deficiency; HYPER-IgE RECURRENT INFECTION SYNDROME 2, AUTOSOMAL RECESSIVE. Identifiers: Orphanet 217390, MedGen C4722305, MONDO:0009478, OMIM 243700.

Allele frequency attached by ClinVar (database versions not stated): gnomAD exomes below 0.00001.
gnomAD v4.1: 3 of 1,614,198 alleles (0.00019%); highest among the groups gnomAD compares: Non-Finnish European, 0.00017%; no homozygotes.

Submission:

Labcorp Genetics (formerly Invitae), Labcorp
Classification: Uncertain significance for Combined immunodeficiency due to DOCK8 deficiency. Last evaluated: 2024-01-19. Review status: criteria provided, single submitter. Criteria: Invitae Variant Classification Sherloc (09022015). Collection method: clinical testing. Allele origin: germline.
Comment: This sequence change replaces tyrosine, which is neutral and polar, with cysteine, which is neutral and slightly polar, at codon 1752 of the DOCK8 protein (p.Tyr1752Cys). This variant is present in population databases (no rsID available, gnomAD 0.006%). This variant has not been reported in the literature in individuals affected with DOCK8-related conditions. Advanced modeling of protein sequence and biophysical properties (such as structural, functional, and spatial information, amino acid conservation, physicochemical variation, residue mobility, and thermodynamic stability) performed at Invitae indicates that this missense variant is expected to disrupt DOCK8 protein function with a positive predictive value of 80%. In summary, the available evidence is currently insufficient to determine the role of this variant in disease. Therefore, it has been classified as a Variant of Uncertain Significance.